The following is an entry in ClinVar:

NM_001374736.1(DST):c.21957A>G (p.Gln7319=)

Gene: DST (dystonin; minus strand). Cytogenetic location: 6p12.1.
Variant type: single nucleotide variant.
Coding change: c.21957A>G on transcript NM_001374736.1 (MANE Select); coding-DNA position 21957, A replaced by G.
Protein change: p.Gln7319=; no amino-acid change (glutamine 7319 retained).
Molecular consequence: synonymous variant.
Genome position (GRCh38, 1-based): chr6:56,473,910, T>C on the plus strand (A>G on the coding strand, the complement: DST is on the minus strand). VCF-style: chr6-56473910-T-C. GRCh37 (hg19) VCF-style: chr6-56338708-T-C.
Other names: c.15600A>G, p.Gln5200= (NM_001144769.5); c.15186A>G, p.Gln5062= (NM_001144770.2); c.21957A>G, p.Gln7319= (NM_001374722.1); c.20997A>G, p.Gln6999= (NM_001374729.1); c.14739A>G, p.Gln4913= (NM_001374730.1); c.21984A>G, p.Gln7328= (NM_001374734.1); c.15066A>G, p.Gln5022= (NM_001386100.1, NM_183380.4); c.14088A>G, p.Gln4696= (NM_015548.5).
Identifiers: ClinVar variation 2944328 (VCV002944328.3), dbSNP rs2533508811, ClinGen allele CA450487052.

ClinVar aggregate classification (germline): Uncertain significance (1 of 4 stars; one submission).

Conditions:
Epidermolysis bullosa simplex 3, localized or generalized intermediate, with BP230 deficiency (EBS3). Also called: Epidermolysis bullosa simplex, autosomal recessive 2; Epidermolysis bullosa simplex due to BP230 deficiency. Identifiers: Orphanet 412181, MedGen C3809470, MONDO:0014180, OMIM 615425.
Hereditary sensory and autonomic neuropathy type 6. Also called: HSAN VI; Neuropathy, hereditary sensory and autonomic, type VI. Identifiers: Orphanet 314381, MedGen C3539003, MONDO:0013839, OMIM 614653.

Allele frequency attached by ClinVar (database versions not stated): gnomAD exomes below 0.00001.
gnomAD v4.1: 4 of 1,597,602 alleles (0.00025%); highest among the groups gnomAD compares: Non-Finnish European, 0.00034%; no homozygotes.

Submission:

Labcorp Genetics (formerly Invitae), Labcorp
Classification: Uncertain significance for Epidermolysis bullosa simplex 3, localized or generalized intermediate, with BP230 deficiency; Hereditary sensory and autonomic neuropathy type 6. Last evaluated: 2025-09-02. Review status: criteria provided, single submitter. Criteria: Invitae Variant Classification Sherloc (09022015). Collection method: clinical testing. Allele origin: germline.
Comment: The DST gene has multiple clinically relevant transcripts. This variant occurs in alternate transcript NM_015548.4, and corresponds to NM_001723.5:c.*141607A>G in the primary transcript. This sequence change affects codon 4696 of the DST mRNA. It is a 'silent' change, meaning that it does not change the encoded amino acid sequence of the DST protein. This variant is not present in population databases (gnomAD no frequency). This variant has not been reported in the literature in individuals affected with DST-related conditions. Experimental studies and prediction algorithms are not available or were not evaluated, and the effect of this variant on mRNA splicing is currently unknown. In summary, the available evidence is currently insufficient to determine the role of this variant in disease. Therefore, it has been classified as a Variant of Uncertain Significance.